The following is an entry in ClinVar:

NM_001846.4(COL4A2):c.3884G>A (p.Arg1295Gln)

Genes: COL4A2 (collagen type IV alpha 2 chain; plus strand), COL4A2-AS1 (COL4A2 antisense RNA 1; minus strand). Cytogenetic location: 13q34.
Variant type: single nucleotide variant.
Coding change: c.3884G>A on transcript NM_001846.4 (MANE Select); coding-DNA position 3884, G replaced by A.
Protein change: p.Arg1295Gln; replaces arginine 1295 with glutamine.
Molecular consequence: missense variant.
Genome position (GRCh38, 1-based): chr13:110,503,127, G>A. VCF-style: chr13-110503127-G-A. GRCh37 (hg19) VCF-style: chr13-111155474-G-A.
Other names: short protein forms R1295Q.
Identifiers: ClinVar variation 2370040 (VCV002370040.8), dbSNP rs199536398, ClinGen allele CA7050357.

ClinVar aggregate classification (germline): Conflicting classifications of pathogenicity. Review status: criteria provided, conflicting classifications (1 of 4 stars). 3 submissions from 3 submitters: Uncertain significance (2); Likely benign (1). Last evaluated 2025-03-07.

Conditions:
Brain small vessel disease 2A, autosomal dominant. Also called: Porencephaly 2. Identifiers: Orphanet 2940, Orphanet 99810, MedGen C3280970, MONDO:0013773, OMIM 614483.
Inborn genetic diseases. Identifiers: MedGen C0950123, MeSH D030342.

Allele frequency attached by ClinVar (database versions not stated): gnomAD 0.00005; TOPMed 0.00006; ExAC 0.00008; ESP Exome Variant Server 0.00008; gnomAD exomes 0.00008.
gnomAD v4.1: 124 of 1,613,290 alleles (0.0077%); highest among the groups gnomAD compares: Non-Finnish European, 0.01%; no homozygotes.

Submissions (3):

Labcorp Genetics (formerly Invitae), Labcorp
Classification: Uncertain significance. Last evaluated: 2025-03-07. Review status: criteria provided, single submitter. Criteria: Invitae Variant Classification Sherloc (09022015). Collection method: clinical testing. Allele origin: germline.
Comment: This sequence change replaces arginine, which is basic and polar, with glutamine, which is neutral and polar, at codon 1295 of the COL4A2 protein (p.Arg1295Gln). This variant is present in population databases (rs199536398, gnomAD 0.009%). This variant has not been reported in the literature in individuals affected with COL4A2-related conditions. ClinVar contains an entry for this variant (Variation ID: 2370040). Invitae Evidence Modeling of protein sequence and biophysical properties (such as structural, functional, and spatial information, amino acid conservation, physicochemical variation, residue mobility, and thermodynamic stability) indicates that this missense variant is not expected to disrupt COL4A2 protein function with a negative predictive value of 95%. In summary, the available evidence is currently insufficient to determine the role of this variant in disease. Therefore, it has been classified as a Variant of Uncertain Significance.

Revvity Omics, Revvity
Classification: Uncertain significance for Brain small vessel disease 2A, autosomal dominant. Last evaluated: 2021-12-28. Review status: criteria provided, single submitter. Criteria: ACMG Guidelines, 2015. Collection method: clinical testing. Allele origin: germline.

Ambry Genetics
Classification: Likely benign for Inborn genetic diseases. Last evaluated: 2021-06-02. Review status: criteria provided, single submitter. Criteria: Ambry Variant Classification Scheme 2023. Collection method: clinical testing. Allele origin: germline.